The following is an entry in ClinVar:

NC_000008.10:g.(?_6372178)_(6500570_?)del

Genes: ANGPT2 (angiopoietin 2; minus strand), MCPH1 (microcephalin 1; plus strand). Cytogenetic location: 8p23.1.
Variant type: Deletion.
Identifiers: ClinVar variation 2426843 (VCV002426843.3).

ClinVar aggregate classification (germline): Uncertain significance (1 of 4 stars; one submission).

Submission:

Labcorp Genetics (formerly Invitae), Labcorp
Classification: Uncertain significance. Last evaluated: 2022-03-04. Review status: criteria provided, single submitter. Criteria: Invitae Variant Classification Sherloc (09022015). Collection method: clinical testing. Allele origin: germline.
Comment: This variant is a gross deletion of the genomic region encompassing exon(s) 13-14 of the MCPH1 gene, which includes the termination codon. This deletion extends beyond the assayed region for this gene and therefore may encompass additional genes. While this deletion is not anticipated to lead to nonsense mediated decay, it is expected to alter mRNA translation or result in a truncated protein product. This variant has not been reported in the literature in individuals affected with MCPH1-related conditions. Experimental studies and prediction algorithms are not available or were not evaluated, and the functional significance of this variant is currently unknown. In summary, the available evidence is currently insufficient to determine the role of this variant in disease. Therefore, it has been classified as a Variant of Uncertain Significance.